The following is an entry in ClinVar:

NM_004646.4(NPHS1):c.767G>A (p.Arg256Gln)

Gene: NPHS1 (NPHS1 adhesion molecule, nephrin; minus strand). Cytogenetic location: 19q13.12.
Variant type: single nucleotide variant.
Coding change: c.767G>A on transcript NM_004646.4 (MANE Select); coding-DNA position 767, G replaced by A.
Protein change: p.Arg256Gln; replaces arginine 256 with glutamine.
Molecular consequence: missense variant.
Genome position (GRCh38, 1-based): chr19:35,849,309, C>T on the plus strand (G>A on the coding strand, the complement: NPHS1 is on the minus strand). VCF-style: chr19-35849309-C-T. GRCh37 (hg19) VCF-style: chr19-36340211-C-T.
Other names: short protein forms R256Q.
Identifiers: ClinVar variation 2078173 (VCV002078173.2), dbSNP rs149649169, ClinGen allele CA9390663.
Genomic context (GRCh38, chr19:35,849,309, plus strand): 5'-AGTGTGGCTAAGGGATTACCCCCTCGGGCCACGCACGGCAGCTCCAAGCTCTGTCCTGCC[C>T]GCACGTGCCCCTCATCCAGGCCTGGCCACTCGATGACAGGGGGTCCTGGAGGGACTGGGG-3'
Protein context (NP_004637.1, residues 246-266): EWPGLDEGHV[Arg256Gln]AGQSLELPCV

ClinVar aggregate classification (germline): Uncertain significance. Review status: criteria provided, multiple submitters, no conflicts (2 of 4 stars). 2 submissions from 2 submitters: Uncertain significance (2). Last evaluated 2024-06-01.

Conditions:
Finnish congenital nephrotic syndrome (NPHS1). Also called: NEPHROTIC SYNDROME, TYPE 1. Identifiers: Orphanet 839, MedGen C0403399, MONDO:0009732, OMIM 256300.

Allele frequency attached by ClinVar (database versions not stated): ExAC 0.00002; gnomAD exomes 0.00004; gnomAD 0.00007; ESP Exome Variant Server 0.00015.
gnomAD v4.1: 71 of 1,612,984 alleles (0.0044%); highest among the groups gnomAD compares: Middle Eastern, 0.035%; no homozygotes.

Submissions (2):

Fulgent Genetics
Classification: Uncertain significance for Finnish congenital nephrotic syndrome. Last evaluated: 2024-06-01. Review status: criteria provided, single submitter. Criteria: ACMG Guidelines, 2015. Collection method: clinical testing. Allele origin: germline.

Labcorp Genetics (formerly Invitae), Labcorp
Classification: Uncertain significance. Last evaluated: 2022-02-06. Review status: criteria provided, single submitter. Criteria: Invitae Variant Classification Sherloc (09022015). Collection method: clinical testing. Allele origin: germline.
Comment: This sequence change replaces arginine, which is basic and polar, with glutamine, which is neutral and polar, at codon 256 of the NPHS1 protein (p.Arg256Gln). This variant is present in population databases (rs149649169, gnomAD 0.01%). This variant has not been reported in the literature in individuals affected with NPHS1-related conditions. Advanced modeling of protein sequence and biophysical properties (such as structural, functional, and spatial information, amino acid conservation, physicochemical variation, residue mobility, and thermodynamic stability) performed at Invitae indicates that this missense variant is not expected to disrupt NPHS1 protein function. In summary, the available evidence is currently insufficient to determine the role of this variant in disease. Therefore, it has been classified as a Variant of Uncertain Significance.